The following is an entry in ClinVar:

ClinVar aggregate classification (germline): Uncertain significance (1 of 4 stars; one submission).

gnomAD v4.1: 1 of 1,603,346 alleles (0.000062%); no homozygotes.

Submission:

Ambry Genetics
Classification: Uncertain significance. Last evaluated: 2026-05-14. Review status: criteria provided, single submitter. Criteria: Ambry Variant Classification Scheme 2023. Collection method: clinical testing. Allele origin: germline.
Comment: The p.L251P variant (also known as c.752T>C), located in coding exon 8 of the RASA2 gene, results from a T to C substitution at nucleotide position 752. The leucine at codon 251 is replaced by proline, an amino acid with similar properties. This amino acid position is conserved. In addition, this alteration is predicted to be deleterious by in silico analysis. Based on the available evidence, the clinical significance of this variant remains unclear.

NM_006506.5(RASA2):c.752T>C (p.Leu251Pro)

Gene: RASA2 (RAS p21 protein activator 2; plus strand). Cytogenetic location: 3q23.
Variant type: single nucleotide variant.
Coding change: c.752T>C on transcript NM_006506.5 (MANE Select); coding-DNA position 752, T replaced by C.
Protein change: p.Leu251Pro; replaces leucine 251 with proline.
Molecular consequence: missense variant.
Genome position (GRCh38, 1-based): chr3:141,558,953, T>C. VCF-style: chr3-141558953-T-C. GRCh37 (hg19) VCF-style: chr3-141277795-T-C.
Other names: c.752T>C, p.Leu251Pro (NM_001303245.3, NM_001303246.3); short protein forms L251P.
Identifiers: ClinVar variation 4862992 (VCV004862992.1).